The following is an entry in ClinVar:

NM_000878.5(IL2RB):c.1639C>T (p.Pro547Ser)

Gene: IL2RB (interleukin 2 receptor subunit beta; minus strand). Cytogenetic location: 22q12.3.
Variant type: single nucleotide variant.
Coding change: c.1639C>T on transcript NM_000878.5 (MANE Select); coding-DNA position 1639, C replaced by T.
Protein change: p.Pro547Ser; replaces proline 547 with serine.
Molecular consequence: missense variant.
Genome position (GRCh38, 1-based): chr22:37,128,113, G>A on the plus strand (C>T on the coding strand, the complement: IL2RB is on the minus strand). VCF-style: chr22-37128113-G-A. GRCh37 (hg19) VCF-style: chr22-37524153-G-A.
Other names: c.1639C>T, p.Pro547Ser (NM_001346222.1, NM_001346223.2); c.1639C>T (NM_000878.2); short protein forms P547S.
Identifiers: ClinVar variation 1476714 (VCV001476714.4), dbSNP rs573251262, ClinGen allele CA324042851.
Genomic context (GRCh38, chr22:37,128,113, plus strand): 5'-GCGCAGAGCAGGCAGCTGCCTGCCTCCCACCCTGGCCATCTGTCTACACCAAGTGAGTTG[G>A]GTCCTGACCCTGGAGTTCTTGGAGGGACAAGTAGGCATCAGTGTTCAGGGGCAGGCGAGC-3'
Protein context (NP_000869.1, residues 537-551): LSLQELQGQD[Pro547Ser]THLV

ClinVar aggregate classification (germline): Uncertain significance. Review status: criteria provided, multiple submitters, no conflicts (2 of 4 stars). 2 submissions from 2 submitters: Uncertain significance (2). Last evaluated 2024-06-10.

Allele frequency attached by ClinVar (database versions not stated): gnomAD 0.00001; 1000 Genomes Project 30x 0.00016; 1000 Genomes Project 0.00020.

Submissions (2):

Ambry Genetics
Classification: Uncertain significance. Last evaluated: 2024-06-10. Review status: criteria provided, single submitter. Criteria: Ambry Variant Classification Scheme 2023. Collection method: clinical testing. Allele origin: germline.

Labcorp Genetics (formerly Invitae), Labcorp
Classification: Uncertain significance. Last evaluated: 2022-03-05. Review status: criteria provided, single submitter. Criteria: Invitae Variant Classification Sherloc (09022015). Collection method: clinical testing. Allele origin: germline.
Comment: This sequence change replaces proline, which is neutral and non-polar, with serine, which is neutral and polar, at codon 547 of the IL2RB protein (p.Pro547Ser). This variant is not present in population databases (gnomAD no frequency). This variant has not been reported in the literature in individuals affected with IL2RB-related conditions. Algorithms developed to predict the effect of missense changes on protein structure and function output the following: SIFT: "Tolerated"; PolyPhen-2: "Possibly Damaging"; Align-GVGD: "Class C0". The serine amino acid residue is found in multiple mammalian species, which suggests that this missense change does not adversely affect protein function. In summary, the available evidence is currently insufficient to determine the role of this variant in disease. Therefore, it has been classified as a Variant of Uncertain Significance.